The following is an entry in ClinVar:

NM_018685.5(ANLN):c.1741G>C (p.Glu581Gln)

Gene: ANLN (anillin, actin binding protein; plus strand). Cytogenetic location: 7p14.2.
Variant type: single nucleotide variant.
Coding change: c.1741G>C on transcript NM_018685.5 (MANE Select); coding-DNA position 1741, G replaced by C.
Protein change: p.Glu581Gln; replaces glutamic acid 581 with glutamine.
Molecular consequence: missense variant.
Genome position (GRCh38, 1-based): chr7:36,419,351, G>C. VCF-style: chr7-36419351-G-C. GRCh37 (hg19) VCF-style: chr7-36458960-G-C.
Other names: c.1630G>C, p.Glu544Gln (NM_001284301.3); c.1627G>C, p.Glu543Gln (NM_001284302.3); c.1741G>C (NM_018685.4); short protein forms E543Q, E544Q, E581Q.
Identifiers: ClinVar variation 4701554 (VCV004701554.2).

ClinVar aggregate classification (germline): Uncertain significance. Review status: criteria provided, multiple submitters, no conflicts (2 of 4 stars). 2 submissions from 2 submitters: Uncertain significance (2). Last evaluated 2025-08-19.

Conditions:
ANLN-related disorder. Also called: ANLN-related condition.

gnomAD v4.1: 7 of 1,614,090 alleles (0.00043%); highest among the groups gnomAD compares: East Asian, 0.016%; no homozygotes.

Submissions (2):

Labcorp Genetics (formerly Invitae), Labcorp
Classification: Uncertain significance. Last evaluated: 2025-08-19. Review status: criteria provided, single submitter. Criteria: Invitae Variant Classification Sherloc (09022015). Collection method: clinical testing. Allele origin: germline.
Comment: This sequence change replaces glutamic acid, which is acidic and polar, with glutamine, which is neutral and polar, at codon 581 of the ANLN protein (p.Glu581Gln). This variant is present in population databases (rs527598295, gnomAD 0.02%). This variant has not been reported in the literature in individuals affected with ANLN-related conditions. Invitae Evidence Modeling of protein sequence and biophysical properties (such as structural, functional, and spatial information, amino acid conservation, physicochemical variation, residue mobility, and thermodynamic stability) indicates that this missense variant is not expected to disrupt ANLN protein function with a negative predictive value of 80%. In summary, the available evidence is currently insufficient to determine the role of this variant in disease. Therefore, it has been classified as a Variant of Uncertain Significance.

PreventionGenetics, part of Exact Sciences
Classification: Uncertain significance for ANLN-related condition. Last evaluated: 2025-08-13. Review status: criteria provided, single submitter. Criteria: ACMG Guidelines, 2015. Collection method: clinical testing. Allele origin: germline.
Comment: The ANLN c.1741G>C variant is predicted to result in the amino acid substitution p.Glu581Gln. To our knowledge, this variant has not been reported in the literature. This variant is reported in 0.027% of alleles in individuals of East Asian descent in gnomAD. At this time, the clinical significance of this variant is uncertain due to the absence of conclusive functional and genetic evidence.